The following is an entry in ClinVar:

ClinVar aggregate classification (germline): Uncertain significance (1 of 4 stars; one submission).

Conditions:
Loeys-Dietz syndrome 2 (LDS2). Also called: TGFBR2-Related Loeys-Dietz Syndrome; AORTIC ANEURYSM, FAMILIAL THORACIC 3; MARFAN SYNDROME, TYPE II; Marfan syndrome, type 2 (formerly); Marfan Syndrome type 2; Marfan like connective tissue disorder. Identifiers: Orphanet 284973, Orphanet 558, MedGen C2674574, MONDO:0012427, OMIM 610168.

Submission:

All of Us Research Program, National Institutes of Health
Classification: Uncertain significance for Loeys-Dietz syndrome 2. Last evaluated: 2023-08-15. Review status: criteria provided, single submitter. Criteria: ACMG Guidelines, 2015. Collection method: clinical testing. Allele origin: germline. Inheritance: Autosomal dominant inheritance. Observed: 1 variant allele, 1 heterozygote.
Comment: This missense variant replaces valine with leucine at codon 341 of the TGFBR2 protein. Computational prediction suggests that this variant may not impact protein structure and function (internally defined REVEL score threshold <= 0.5, PMID: 27666373). To our knowledge, functional studies have not been reported for this variant. This variant has not been reported in individuals affected with TGFBR2-related disorders in the literature. This variant has not been identified in the general population by the Genome Aggregation Database (gnomAD). The available evidence is insufficient to determine the role of this variant in disease conclusively. Therefore, this variant is classified as a Variant of Uncertain Significance.

This study involves interpretation of variants in research participants for the purpose of population health screening. Participant phenotype was not available at the time of variant classification. Additional details can be found in publication PMID: 35346344, PMCID: PMC8962531

NM_003242.6(TGFBR2):c.1021G>C (p.Val341Leu)

Gene: TGFBR2 (transforming growth factor beta receptor 2; plus strand). Cytogenetic location: 3p24.1.
Variant type: single nucleotide variant.
Coding change: c.1021G>C on transcript NM_003242.6 (MANE Select); coding-DNA position 1021, G replaced by C.
Protein change: p.Val341Leu; replaces valine 341 with leucine.
Molecular consequence: missense variant. On other transcripts: intron variant (1).
Genome position (GRCh38, 1-based): chr3:30,672,204, G>C. VCF-style: chr3-30672204-G-C. GRCh37 (hg19) VCF-style: chr3-30713696-G-C.
Other names: c.916G>C, p.Val306Leu (NM_001407132.1, NM_001407133.1, NM_001407134.1 and 2 more transcripts); c.736G>C, p.Val246Leu (NM_001407137.1); c.661G>C, p.Val221Leu (NM_001407138.1); c.530-16183G>C (NM_001407139.1); c.1096G>C, p.Val366Leu (NM_001024847.3); c.1204G>C, p.Val402Leu (NM_001407126.1); c.1129G>C, p.Val377Leu (NM_001407127.1); c.1048G>C, p.Val350Leu (NM_001407128.1); and 2 more; short protein forms V221L, V246L, V306L, V341L, V342L, V350L, V366L, V377L.
Identifiers: ClinVar variation 3072879 (VCV003072879.1), dbSNP rs2125435673, ClinGen allele CA351808377.